The following is an entry in ClinVar:

ClinVar aggregate classification (germline): Uncertain significance (1 of 4 stars; one submission).

Conditions:
Mitochondrial short-chain Enoyl-Coa hydratase 1 deficiency. Also called: PxMD-ECHS1; Mitochondrial Short-Chain Enoyl-CoA Hydratase Deficiency; ECHS1 deficiency. Identifiers: Orphanet 255241, Orphanet 653880, MedGen C4225391, MONDO:0014563, OMIM 616277.

Submission:

Pediatric Neurology Unit, Advanced Pediatric Centre, Postgraduate Institute of Medical Education and Research (PGIMER)
Classification: Uncertain significance for Mitochondrial short-chain Enoyl-Coa hydratase 1 deficiency. Review status: criteria provided, single submitter. Criteria: ACMG Guidelines, 2015. Collection method: clinical testing. Allele origin: germline. Inheritance: Autosomal recessive inheritance. Affected: yes.
Comment: A heterozygous missense variant in exon 3 of the ECHS1 gene (chr10:g.133369995A>C) that results in the amino acid substitution of Cysteine for Phenylalanine at codon 108 (p.Phe108Cys) was detected. This variant has not been reported in the 1000 genomes, gnomAD (v3.1), gnomdAD (v2) and topmed databases (PM2). The reference codon is conserved across species. The in-silico predictions of the variant are probably damaging by PolyPhen-2 (HumDiv) and damaging by SIFT, LRT and MutationTaster2 (PP3). Following ACMG criteria (PM2, PP3), this variant is classified as variant of uncertain significance.

NM_004092.4(ECHS1):c.323T>G (p.Phe108Cys)

Gene: ECHS1 (enoyl-CoA hydratase, short chain 1; minus strand). Cytogenetic location: 10q26.3.
Variant type: single nucleotide variant.
Coding change: c.323T>G on transcript NM_004092.4 (MANE Select); coding-DNA position 323, T replaced by G.
Protein change: p.Phe108Cys; replaces phenylalanine 108 with cysteine.
Molecular consequence: missense variant.
Genome position (GRCh38, 1-based): chr10:133,369,995, A>C on the plus strand (T>G on the coding strand, the complement: ECHS1 is on the minus strand). VCF-style: chr10-133369995-A-C. GRCh37 (hg19) VCF-style: chr10-135183499-A-C.
Other names: c.323T>G; short protein forms F108C.
Identifiers: ClinVar variation 4813212 (VCV004813212.1).